The following is an entry in ClinVar:

ClinVar aggregate classification (germline): Likely benign (1 of 4 stars; one submission).

Conditions:
TTC8-related disorder. Also called: TTC8-related condition.

gnomAD v4.1: 1 of 1,566,548 alleles (0.000064%); highest among the groups gnomAD compares: Admixed American, 0.0017%; no homozygotes.

Submission:

PreventionGenetics, part of Exact Sciences
Classification: Likely benign for TTC8-related condition. Last evaluated: 2025-01-09. Review status: criteria provided, single submitter. Criteria: ACMG Guidelines, 2015. Collection method: clinical testing. Allele origin: germline.
Comment: This variant is classified as likely benign based on ACMG/AMP sequence variant interpretation guidelines (Richards et al. 2015 PMID: 25741868, with internal and published modifications).

NM_144596.4(TTC8):c.624+7T>A

Gene: TTC8 (tetratricopeptide repeat domain 8; plus strand). Cytogenetic location: 14q31.3.
Variant type: single nucleotide variant.
Coding change: c.624+7T>A on transcript NM_144596.4 (MANE Select); 7 bases into the intron after coding-DNA position 624, T replaced by A.
Molecular consequence: intron variant.
Genome position (GRCh38, 1-based): chr14:88,843,857, T>A. VCF-style: chr14-88843857-T-A. GRCh37 (hg19) VCF-style: chr14-89310201-T-A.
Other names: c.30+2300T>A (NM_001288782.1); c.594+7T>A (NM_001288781.1, NM_198309.3, NM_001366535.2); c.-154+7T>A (NM_001288783.1); c.504+7T>A (NM_198310.3, NM_001366536.2).
Identifiers: ClinVar variation 5001673 (VCV005001673.1).